The following is an entry in ClinVar:

NM_024422.6(DSC2):c.1371_1376del (p.457TV[1])

Gene: DSC2 (desmocollin 2; minus strand). Cytogenetic location: 18q12.1.
Variant type: Deletion.
Coding change: c.1371_1376del on transcript NM_024422.6 (MANE Select); coding-DNA positions 1371 to 1376, 6 bases deleted (AGTTAC; older notation c.1371_1376delAGTTAC).
Protein change: p.457TV[1].
Genome position (GRCh38, 1-based): chr18:31,080,240-31,080,245, GTAACT deleted on the plus strand (AGTTAC on the coding strand, the reverse complement: DSC2 is on the minus strand); deleting any 6 consecutive bases within chr18:31,080,240-31,080,247 gives the same sequence; the c. name uses the placement nearest the transcript's 3' end. VCF-style (leftmost placement, unchanged base first): chr18-31080239-AGTAACT-A. GRCh37 (hg19) VCF-style: chr18-28660205-AGTAACT-A.
Other names: c.942_947del, p.314TV[1] (NM_001406506.1, NM_001406507.1); c.1371_1376del, p.457TV[1] (NM_004949.5).
Identifiers: ClinVar variation 3386528 (VCV003386528.1).

ClinVar aggregate classification (germline): Uncertain significance (1 of 4 stars; one submission).

Conditions:
Familial isolated arrhythmogenic right ventricular dysplasia. Identifiers: Orphanet 217656, MedGen C4274968, MONDO:0016342.

Submission:

All of Us Research Program, National Institutes of Health
Classification: Uncertain significance for Familial isolated arrhythmogenic right ventricular dysplasia. Last evaluated: 2024-07-29. Review status: criteria provided, single submitter. Criteria: ACMG Guidelines, 2015. Collection method: clinical testing. Allele origin: germline. Inheritance: Autosomal dominant inheritance. Observed: 1 variant allele, 1 heterozygote.
Comment: This variant causes an in-frame deletion of six amino acids in exon 10 of the DSC2 protein. To our knowledge, functional studies have not been reported for this variant. This variant has not been reported in individuals affected with DSC2-related disorders in the literature. This variant has not been identified in the general population by the Genome Aggregation Database (gnomAD). The available evidence is insufficient to determine the role of this variant in disease conclusively. Therefore, this variant is classified as a Variant of Uncertain Significance.

This study involves interpretation of variants in research participants for the purpose of population health screening. Participant phenotype was not available at the time of variant classification. Additional details can be found in publication PMID: 35346344, PMCID: PMC8962531